The following is an entry in ClinVar:

NM_003482.4(KMT2D):c.9260G>A (p.Arg3087Gln)

Gene: KMT2D (lysine methyltransferase 2D; minus strand). Cytogenetic location: 12q13.12.
Variant type: single nucleotide variant.
Coding change: c.9260G>A on transcript NM_003482.4 (MANE Select); coding-DNA position 9260, G replaced by A.
Protein change: p.Arg3087Gln; replaces arginine 3087 with glutamine.
Molecular consequence: missense variant.
Genome position (GRCh38, 1-based): chr12:49,038,096, C>T on the plus strand (G>A on the coding strand, the complement: KMT2D is on the minus strand). VCF-style: chr12-49038096-C-T. GRCh37 (hg19) VCF-style: chr12-49431879-C-T.
Other names: c.9260G>A (NM_003482.3); short protein forms R3087Q.
Identifiers: ClinVar variation 1444463 (VCV001444463.11), dbSNP rs1233005055, ClinGen allele CA384739175.
Genomic context (GRCh38, chr12:49,038,096, plus strand): 5'-GAGGCATCAGCAGCAGGGGGAGGGCGCTCCTCAGGGCCCAAGGGTCCTGGCTCCACCCCC[C>T]GCAGCAGGGCCTCCCGTTCAGCCTTCTCATTAGCCGATTCTACCAGCCTCAGGTGCTCAT-3'
Protein context (NP_003473.3, residues 3077-3097): NEKAEREALL[Arg3087Gln]GVEPGPLGPE

ClinVar aggregate classification (germline): Conflicting classifications of pathogenicity. Review status: criteria provided, conflicting classifications (1 of 4 stars). 3 submissions from 3 submitters: Uncertain significance (1); Likely benign (2). Last evaluated 2026-09-21.

Conditions:
KMT2D-related disorder. Also called: KMT2D-Related Disorders.
Kabuki syndrome. Also called: Kabuki make-up syndrome; NIIKAWA-KUROKI SYNDROME. Identifiers: Orphanet 2322, MedGen C0796004, MONDO:0016512.
Inborn genetic diseases. Identifiers: MedGen C0950123, MeSH D030342.

Allele frequency attached by ClinVar (database versions not stated): gnomAD exomes below 0.00001; TOPMed below 0.00001.

Submissions (3):

PreventionGenetics, part of Exact Sciences
Classification: Likely benign for KMT2D-related condition. Last evaluated: 2026-09-21. Review status: criteria provided, single submitter. Criteria: ACMG Guidelines, 2015. Collection method: clinical testing. Allele origin: germline.
Comment: This variant is classified as likely benign based on ACMG/AMP sequence variant interpretation guidelines (Richards et al. 2015 PMID: 25741868, with internal and published modifications).

Labcorp Genetics (formerly Invitae), Labcorp
Classification: Likely benign for Kabuki syndrome. Last evaluated: 2025-12-29. Review status: criteria provided, single submitter. Criteria: Invitae Variant Classification Sherloc (09022015). Collection method: clinical testing. Allele origin: germline.

Ambry Genetics
Classification: Uncertain significance for Inborn genetic diseases. Last evaluated: 2024-05-30. Review status: criteria provided, single submitter. Criteria: Ambry Variant Classification Scheme 2023. Collection method: clinical testing. Allele origin: germline.